The following is an entry in ClinVar:

NM_203486.3(DLL3):c.301C>G (p.Leu101Val)

Gene: DLL3 (delta like canonical Notch ligand 3; plus strand). Cytogenetic location: 19q13.2.
Variant type: single nucleotide variant.
Coding change: c.301C>G on transcript NM_203486.3 (MANE Select); coding-DNA position 301, C replaced by G.
Protein change: p.Leu101Val; replaces leucine 101 with valine.
Molecular consequence: missense variant.
Genome position (GRCh38, 1-based): chr19:39,499,423, C>G. VCF-style: chr19-39499423-C-G. GRCh37 (hg19) VCF-style: chr19-39990063-C-G.
Other names: c.301C>G, p.Leu101Val (NM_016941.4); short protein forms L101V.
Identifiers: ClinVar variation 1981410 (VCV001981410.1), dbSNP rs1339671523, ClinGen allele CA405794111.

ClinVar aggregate classification (germline): Uncertain significance (1 of 4 stars; one submission).

Submission:

Labcorp Genetics (formerly Invitae), Labcorp
Classification: Uncertain significance. Last evaluated: 2022-03-04. Review status: criteria provided, single submitter. Criteria: Invitae Variant Classification Sherloc (09022015). Collection method: clinical testing. Allele origin: germline.
Comment: This sequence change replaces leucine, which is neutral and non-polar, with valine, which is neutral and non-polar, at codon 101 of the DLL3 protein (p.Leu101Val). This variant is not present in population databases (gnomAD no frequency). This variant has not been reported in the literature in individuals affected with DLL3-related conditions. Algorithms developed to predict the effect of missense changes on protein structure and function are either unavailable or do not agree on the potential impact of this missense change (SIFT: "Deleterious"; PolyPhen-2: "Benign"; Align-GVGD: "Class C0"). In summary, the available evidence is currently insufficient to determine the role of this variant in disease. Therefore, it has been classified as a Variant of Uncertain Significance.